The following is an entry in ClinVar:

ClinVar aggregate classification (germline): Uncertain significance (1 of 4 stars; one submission).

Conditions:
Leukoencephalopathy, hereditary diffuse, with spheroids 2 (HDLS2). Also called: LEUKOENCEPHALOPATHY, HEREDITARY DIFFUSE, WITH SPHEROIDS, SWEDISH TYPE. Identifiers: MedGen C5562044, MONDO:0030634, OMIM 619661.
Trichothiodystrophy 8, nonphotosensitive. Identifiers: MedGen C5562057, MONDO:0030517, OMIM 619691.
Developmental and epileptic encephalopathy, 29 (DEE29). Also called: Epileptic encephalopathy, early infantile, 29. Identifiers: Orphanet 442835, MedGen C4225361, MONDO:0014593, OMIM 616339.
Charcot-Marie-Tooth disease axonal type 2N (CMT2N). Also called: Charcot-Marie-Tooth Neuropathy Type 2N; CHARCOT-MARIE-TOOTH DISEASE, AXONAL, AUTOSOMAL DOMINANT, TYPE 2N; CHARCOT-MARIE-TOOTH NEUROPATHY, AXONAL, TYPE 2N. Identifiers: Orphanet 228174, MedGen C2750090, MONDO:0013212, OMIM 613287.

gnomAD v4.1: 1 of 1,613,422 alleles (0.000062%); highest among the groups gnomAD compares: East Asian, 0.0022%; no homozygotes.

Submission:

Juno Genomics, Hangzhou Juno Genomics, Inc
Classification: Uncertain significance for Leukoencephalopathy, hereditary diffuse, with spheroids 2; Charcot-Marie-Tooth disease axonal type 2N; Developmental and epileptic encephalopathy, 29; Trichothiodystrophy 8, nonphotosensitive. Review status: criteria provided, single submitter. Criteria: ACMG Guidelines, 2015. Collection method: clinical testing. Allele origin: germline.
Comment: Absent from controls (or at extremely low frequency if recessive) in Genome Aggregation Database.;Multiple lines of computational evidence support a deleterious effect on the gene or gene product.

NM_001605.3(AARS1):c.1515G>T (p.Thr505=)

Gene: AARS1 (alanyl-tRNA synthetase 1; minus strand). Cytogenetic location: 16q22.1.
Variant type: single nucleotide variant.
Coding change: c.1515G>T on transcript NM_001605.3 (MANE Select); coding-DNA position 1515, G replaced by T.
Protein change: p.Thr505=; no amino-acid change (threonine 505 retained).
Molecular consequence: synonymous variant.
Genome position (GRCh38, 1-based): chr16:70,262,502, C>A on the plus strand (G>T on the coding strand, the complement: AARS1 is on the minus strand). VCF-style: chr16-70262502-C-A. GRCh37 (hg19) VCF-style: chr16-70296405-C-A.
Identifiers: ClinVar variation 5005621 (VCV005005621.2).
Genomic context (GRCh38, chr16:70,262,502, plus strand): 5'-ACACTCCTGGCCTGTGGACACCTCTTCCACGAACATCTTCTCCCTGCGCAGAGCCATCAC[C>A]GTAGCCACTGTGTTCTCAAATACTGCTCAAGGGAAATGCATAGAAAGGGGACAGTGGGGT-3'
Protein context (NP_001596.2, residues 495-515): GSYVFENTVA[Thr505=]VMALRREKMF